The following is an entry in ClinVar:

NM_003743.5(NCOA1):c.986G>A (p.Arg329Lys)

Gene: NCOA1 (nuclear receptor coactivator 1; plus strand). Cytogenetic location: 2p23.3.
Variant type: single nucleotide variant.
Coding change: c.986G>A on transcript NM_003743.5 (MANE Select); coding-DNA position 986, G replaced by A.
Protein change: p.Arg329Lys; replaces arginine 329 with lysine.
Molecular consequence: missense variant.
Genome position (GRCh38, 1-based): chr2:24,705,122, G>A. VCF-style: chr2-24705122-G-A. GRCh37 (hg19) VCF-style: chr2-24927991-G-A.
Other names: c.986G>A, p.Arg329Lys (NM_001362950.1, NM_001362952.1, NM_001362954.1 and 3 more transcripts); short protein forms R329K.
Identifiers: ClinVar variation 3357561 (VCV003357561.1).

ClinVar aggregate classification (germline): Uncertain significance (0 of 4 stars; one submission).

Conditions:
NCOA1-related disorder. Also called: NCOA1-related condition.

gnomAD v4.1: 5 of 1,613,970 alleles (0.00031%); highest among the groups gnomAD compares: Admixed American, 0.0067%; no homozygotes.

Submission:

PreventionGenetics, part of Exact Sciences
Classification: Uncertain significance for NCOA1-related condition. Last evaluated: 2024-05-30. Review status: no assertion criteria provided. Collection method: clinical testing. Allele origin: germline.
Comment: The NCOA1 c.986G>A variant is predicted to result in the amino acid substitution p.Arg329Lys. To our knowledge, this variant has not been reported in the literature. This variant is reported in 0.011% of alleles in individuals of Latino descent in gnomAD. At this time, the clinical significance of this variant is uncertain due to the absence of conclusive functional and genetic evidence.